The following is an entry in ClinVar:

ClinVar aggregate classification (germline): Pathogenic (1 of 4 stars; one submission).

Conditions:
Pterin-4 alpha-carbinolamine dehydratase 1 deficiency. Also called: CADH DEFICIENCY; HYPERPHENYLALANINEMIA WITH PRIMAPTERINURIA; HYPERPHENYLALANINEMIA, TETRAHYDROBIOPTERIN-DEFICIENT, DUE TO PTERIN-4-ALPHA-CARBINOLAMINE DEHYDRATASE DEFICIENCY; Hyperphenylalaninemia due to dehydratase deficiency. Identifiers: Orphanet 1578, Orphanet 238583, MedGen C1849700, MONDO:0009908, OMIM 264070.

Submission:

Labcorp Genetics (formerly Invitae), Labcorp
Classification: Pathogenic for Pterin-4 alpha-carbinolamine dehydratase 1 deficiency. Last evaluated: 2023-10-22. Review status: criteria provided, single submitter. Criteria: Invitae Variant Classification Sherloc (09022015). Collection method: clinical testing. Allele origin: unknown.
Comment: A gross deletion of the genomic region encompassing the full coding sequence of the PCBD1 gene has been identified. Loss-of-function variants in PCBD1 are known to be pathogenic (PMID: 958615). The boundaries of this event are unknown as they extend beyond the assayed region for this gene and therefore may encompass additional genes. This variant has not been reported in the literature in individuals affected with PCBD1-related conditions. For these reasons, this variant has been classified as Pathogenic.

Literature cited by the submitters: PubMed 958615.

NC_000010.10:g.(?_72643707)_(72648290_?)del

Gene: PCBD1 (pterin-4 alpha-carbinolamine dehydratase 1; minus strand). Cytogenetic location: 10q22.1.
Variant type: Deletion.
Identifiers: ClinVar variation 3244842 (VCV003244842.1).